The following is an entry in ClinVar:

NM_001018050.4(POLR3H):c.39C>T (p.Ile13=)

Gene: POLR3H (RNA polymerase III subunit H; minus strand). Cytogenetic location: 22q13.2.
Variant type: single nucleotide variant.
Coding change: c.39C>T on transcript NM_001018050.4 (MANE Select); coding-DNA position 39, C replaced by T.
Protein change: p.Ile13=; no amino-acid change (isoleucine 13 retained).
Molecular consequence: synonymous variant.
Genome position (GRCh38, 1-based): chr22:41,544,063, G>A on the plus strand (C>T on the coding strand, the complement: POLR3H is on the minus strand). VCF-style: chr22-41544063-G-A. GRCh37 (hg19) VCF-style: chr22-41940067-G-A.
Other names: c.39C>T, p.Ile13= (NM_001018052.4, NM_001282884.2, NM_001282885.2 and 1 more transcripts).
Identifiers: ClinVar variation 4821121 (VCV004821121.4).

ClinVar aggregate classification (germline): Likely benign (1 of 4 stars; one submission).

gnomAD v4.1: 55 of 1,613,666 alleles (0.0034%); highest among the groups gnomAD compares: Middle Eastern, 0.033%; no homozygotes.

Submission:

CeGaT Center for Human Genetics Tuebingen
Classification: Likely benign. Last evaluated: 2026-02-01. Review status: criteria provided, single submitter. Criteria: CeGaT Center For Human Genetics Tuebingen Variant Classification Criteria Version 2. Collection method: clinical testing. Allele origin: germline. Affected: yes. Observed: 1 variant allele.
Comment: POLR3H: BP4, BP7